The following is an entry in ClinVar:

NM_000829.4(GRIA4):c.2295-5891G>A

Gene: GRIA4 (glutamate ionotropic receptor AMPA type subunit 4; plus strand). Cytogenetic location: 11q22.3.
Variant type: single nucleotide variant.
Coding change: c.2295-5891G>A on transcript NM_000829.4 (MANE Select); 5891 bases into the intron before coding-DNA position 2295, G replaced by A.
Molecular consequence: intron variant. On other transcripts: missense variant (1).
Genome position (GRCh38, 1-based): chr11:105,966,023, G>A. VCF-style: chr11-105966023-G-A. GRCh37 (hg19) VCF-style: chr11-105836750-G-A.
Other names: c.2371G>A, p.Asp791Asn (NM_001077243.3); short protein forms D791N.
Identifiers: ClinVar variation 3026988 (VCV003026988.22), dbSNP rs774816694, ClinGen allele CA6258786.
Genomic context (GRCh38, chr11:105,966,023, plus strand): 5'-GCAGTTTTAAAACTGAATGAACAAGGCCTCTTGGACAAATTGAAAAACAAATGGTGGTAC[G>A]ACAAAGGAGAATGTGGCAGCGGGGGAGGTGACTCCAAGGTTAGCCTCAATGTCACCAAAA-3'

ClinVar aggregate classification (germline): Uncertain significance (1 of 4 stars; one submission).

Allele frequency attached by ClinVar (database versions not stated): ExAC 0.00001.
gnomAD v4.1: 2 of 1,613,342 alleles (0.00012%); highest among the groups gnomAD compares: South Asian, 0.0011%; no homozygotes.

Submission:

CeGaT Center for Human Genetics Tuebingen
Classification: Uncertain significance. Last evaluated: 2024-01-01. Review status: criteria provided, single submitter. Criteria: CeGaT Center For Human Genetics Tuebingen Variant Classification Criteria Version 2. Collection method: clinical testing. Allele origin: germline. Affected: yes. Observed: 2 variant alleles.
Comment: GRIA4: PM2, BP4